The following is an entry in ClinVar:

NM_006231.4(POLE):c.721-1G>C

Gene: POLE (DNA polymerase epsilon, catalytic subunit; minus strand). Cytogenetic location: 12q24.33.
Variant type: single nucleotide variant.
Coding change: c.721-1G>C on transcript NM_006231.4 (MANE Select); the canonical splice acceptor site of the intron before coding-DNA position 721, G replaced by C.
Molecular consequence: splice acceptor variant.
Genome position (GRCh38, 1-based): chr12:132,677,444, C>G on the plus strand (G>C on the coding strand, the complement: POLE is on the minus strand). VCF-style: chr12-132677444-C-G. GRCh37 (hg19) VCF-style: chr12-133254030-C-G.
Identifiers: ClinVar variation 2826072 (VCV002826072.3), dbSNP rs2136018890, ClinGen allele CA387364569.

ClinVar aggregate classification (germline): Likely pathogenic (1 of 4 stars; one submission).

Submission:

Labcorp Genetics (formerly Invitae), Labcorp
Classification: Likely pathogenic. Last evaluated: 2023-01-03. Review status: criteria provided, single submitter. Criteria: Invitae Variant Classification Sherloc (09022015). Collection method: clinical testing. Allele origin: germline.
Comment: In summary, the currently available evidence indicates that the variant is pathogenic, but additional data are needed to prove that conclusively. Therefore, this variant has been classified as Likely Pathogenic. Algorithms developed to predict the effect of sequence changes on RNA splicing suggest that this variant may disrupt the consensus splice site. This variant has not been reported in the literature in individuals affected with POLE-related conditions. This variant is not present in population databases (gnomAD no frequency). This sequence change affects an acceptor splice site in intron 7 of the POLE gene. It is expected to disrupt RNA splicing. Variants that disrupt the donor or acceptor splice site typically lead to a loss of protein function (PMID: 16199547), and loss-of-function variants in POLE are known to be pathogenic (PMID: 23230001, 25948378, 30503519).

Literature cited by the submitters: PubMed 16199547; PubMed 23230001; PubMed 25948378; PubMed 30503519.